The following is an entry in ClinVar:

ClinVar aggregate classification (germline): Likely benign. Review status: criteria provided, multiple submitters, no conflicts (2 of 4 stars). 2 submissions from 2 submitters: Likely benign (2). Last evaluated 2025-10-10.

Conditions:
Schuurs-Hoeijmakers syndrome. Also called: PACS1-Related Neurodevelopmental Disorder. Identifiers: Orphanet 329224, MedGen C3554343, MONDO:0014006, OMIM 615009.

Allele frequency attached by ClinVar (database versions not stated): gnomAD exomes 0.00009 and 0.00003; ExAC 0.00010; 1000 Genomes Project 30x 0.00078; gnomAD 0.00013 and 0.00011; 1000 Genomes Project 0.00100; TOPMed 0.00015.
gnomAD v4.1: 68 of 1,596,840 alleles (0.0043%); highest among the groups gnomAD compares: Admixed American, 0.038%; 1 homozygote.

Submissions (2):

Labcorp Genetics (formerly Invitae), Labcorp
Classification: Likely benign for Schuurs-Hoeijmakers syndrome. Last evaluated: 2025-10-10. Review status: criteria provided, single submitter. Criteria: Invitae Variant Classification Sherloc (09022015). Collection method: clinical testing. Allele origin: germline.

GeneDx
Classification: Likely benign. Last evaluated: 2021-06-17. Review status: criteria provided, single submitter. Criteria: GeneDx Variant Classification Process June 2021. Collection method: clinical testing. Allele origin: germline. Affected: yes.
Comment: See Variant Classification Assertion Criteria.

NM_018026.4(PACS1):c.2207+10A>T

Gene: PACS1 (phosphofurin acidic cluster sorting protein 1; plus strand). Cytogenetic location: 11q13.2.
Variant type: single nucleotide variant.
Coding change: c.2207+10A>T on transcript NM_018026.4 (MANE Select); 10 bases into the intron after coding-DNA position 2207, A replaced by T.
Molecular consequence: intron variant.
Genome position (GRCh38, 1-based): chr11:66,235,413, A>T. VCF-style: chr11-66235413-A-T. GRCh37 (hg19) VCF-style: chr11-66002884-A-T.
Identifiers: ClinVar variation 1541964 (VCV001541964.9), dbSNP rs147328788, ClinGen allele CA6116804.